The following is an entry in ClinVar:

NM_001142800.2(EYS):c.8916T>G (p.Tyr2972Ter)

Genes: EYS (EGF-like photoreceptor maintenance factor; minus strand), PHF3 (PHD finger protein 3; plus strand). Cytogenetic location: 6q12.
Variant type: single nucleotide variant.
Coding change: c.8916T>G on transcript NM_001142800.2 (MANE Select); coding-DNA position 8916, T replaced by G.
Protein change: p.Tyr2972Ter; replaces tyrosine 2972 with a stop codon.
Molecular consequence: nonsense. On other transcripts: 3 prime UTR variant (5).
Genome position (GRCh38, 1-based): chr6:63,721,115, A>C on the plus strand (T>G on the coding strand, the complement: EYS is on the minus strand). VCF-style: chr6-63721115-A-C. GRCh37 (hg19) VCF-style: chr6-64431011-A-C.
Other names: c.*7407A>C (NM_001290259.2, NM_001370348.2, NM_001370349.2 and 2 more transcripts); c.8979T>G, p.Tyr2993Ter (NM_001292009.2); short protein forms Y2972*, Y2993*.
Identifiers: ClinVar variation 1457949 (VCV001457949.8), dbSNP rs867410198, ClinGen allele CA364383680.

ClinVar aggregate classification (germline): Pathogenic (1 of 4 stars; one submission).

Submission:

Labcorp Genetics (formerly Invitae), Labcorp
Classification: Pathogenic. Last evaluated: 2020-11-26. Review status: criteria provided, single submitter. Criteria: Invitae Variant Classification Sherloc (09022015). Collection method: clinical testing. Allele origin: germline.
Comment: This sequence change creates a premature translational stop signal (p.Tyr2972*) in the EYS gene. While this is not anticipated to result in nonsense mediated decay, it is expected to disrupt the last 173 amino acid(s) of the EYS protein. This variant is not present in population databases (ExAC no frequency). This variant has not been reported in the literature in individuals with EYS-related conditions. Algorithms developed to predict the effect of sequence changes on RNA splicing suggest that this variant may create or strengthen a splice site, but this prediction has not been confirmed by published transcriptional studies. This variant disrupts the C-terminus of the EYS protein. Other variant(s) that disrupt this region (p.Tyr3135*) have been determined to be pathogenic (PMID: 18976725, 31074760, 29159838, 30337596). This suggests that variants that disrupt this region of the protein are likely to be causative of disease. For these reasons, this variant has been classified as Pathogenic.

Literature cited by the submitters: PubMed 18976725; PubMed 31074760; PubMed 29159838; PubMed 30337596.